The following is an entry in ClinVar:

ClinVar aggregate classification (germline): Uncertain significance. Review status: criteria provided, single submitter (1 of 4 stars). 2 submissions from 2 submitters: Uncertain significance (1). 1 of the submissions does not count toward it. Last evaluated 2025-08-03.

Conditions:
Cardiomyopathy (CMYO). Also called: Cardiomyopathies. Identifiers: Orphanet 167848, MedGen C0878544, MONDO:0004994, HP:0001638. Inheritance: Various modes of inheritance.
Dystrophin deficiency.
Duchenne muscular dystrophy (DMD). Also called: MUSCULAR DYSTROPHY, PSEUDOHYPERTROPHIC PROGRESSIVE, DUCHENNE TYPE; Duchenne Muscular Dystrophy (DMD). Identifiers: Orphanet 98896, MedGen C0013264, MONDO:0010679, OMIM 310200.
Becker muscular dystrophy (BMD). Also called: Becker Muscular Dystrophy (BMD); MUSCULAR DYSTROPHY, PSEUDOHYPERTROPHIC PROGRESSIVE, BECKER TYPE. Identifiers: Orphanet 98895, MedGen C0917713, MONDO:0010311, OMIM 300376.

Allele frequency attached by ClinVar (database versions not stated): gnomAD 0.00001; TOPMed 0.00001.
gnomAD v4.1: 6 of 1,192,929 alleles (0.0005%); highest among the groups gnomAD compares: Non-Finnish European, 0.00068%; no homozygotes.

Submissions (2):

Labcorp Genetics (formerly Invitae), Labcorp
Classification: Uncertain significance for Duchenne muscular dystrophy. Last evaluated: 2025-08-03. Review status: criteria provided, single submitter. Criteria: Invitae Variant Classification Sherloc (09022015). Collection method: clinical testing. Allele origin: germline.
Comment: This sequence change replaces serine, which is neutral and polar, with threonine, which is neutral and polar, at codon 1104 of the DMD protein (p.Ser1104Thr). This variant is not present in population databases (gnomAD no frequency). This variant has not been reported in the literature in individuals affected with DMD-related conditions. ClinVar contains an entry for this variant (Variation ID: 1022418). Invitae Evidence Modeling of protein sequence and biophysical properties (such as structural, functional, and spatial information, amino acid conservation, physicochemical variation, residue mobility, and thermodynamic stability) indicates that this missense variant is not expected to disrupt DMD protein function with a negative predictive value of 95%. In summary, the available evidence is currently insufficient to determine the role of this variant in disease. Therefore, it has been classified as a Variant of Uncertain Significance.

Natera, Inc.
Classification: Uncertain significance for Becker muscular dystrophy; Cardiomyopathy; Duchenne muscular dystrophy; Dystrophin deficiency. Last evaluated: 2018-08-24. Review status: no assertion criteria provided. Collection method: clinical testing. Allele origin: germline. Not counted in ClinVar's aggregate classification.

NM_004006.3(DMD):c.3311G>C (p.Ser1104Thr)

Gene: DMD (dystrophin; minus strand). Cytogenetic location: Xp21.1.
Variant type: single nucleotide variant.
Coding change: c.3311G>C on transcript NM_004006.3 (MANE Select); coding-DNA position 3311, G replaced by C.
Protein change: p.Ser1104Thr; replaces serine 1104 with threonine.
Molecular consequence: missense variant.
Genome position (GRCh38, 1-based): chrX:32,463,560, C>G on the plus strand (G>C on the coding strand, the complement: DMD is on the minus strand). VCF-style: chrX-32463560-C-G. GRCh37 (hg19) VCF-style: chrX-32481677-C-G.
Other names: c.3287G>C, p.Ser1096Thr (NM_000109.4); c.3299G>C, p.Ser1100Thr (NM_004009.3); c.2942G>C, p.Ser981Thr (NM_004010.3); short protein forms S1096T, S1100T, S1104T, S981T.
Identifiers: ClinVar variation 1022418 (VCV001022418.8), dbSNP rs1009754942, ClinGen allele CA328001895.